The following is an entry in ClinVar:

ClinVar aggregate classification (germline): Uncertain significance (1 of 4 stars; one submission).

Conditions:
Inborn genetic diseases. Identifiers: MedGen C0950123, MeSH D030342.

Submission:

Ambry Genetics
Classification: Uncertain significance for Inborn genetic diseases. Last evaluated: 2025-06-14. Review status: criteria provided, single submitter. Criteria: Ambry Variant Classification Scheme 2023. Collection method: clinical testing. Allele origin: germline.
Comment: The p.Q500L variant (also known as c.1499A>T), located in coding exon 9 of the FANCM gene, results from an A to T substitution at nucleotide position 1499. The glutamine at codon 500 is replaced by leucine, an amino acid with dissimilar properties. This amino acid position is conserved. In addition, this alteration is predicted to be tolerated by in silico analysis. Based on the available evidence, the clinical significance of this variant remains unclear.

NM_020937.4(FANCM):c.1499A>T (p.Gln500Leu)

Gene: FANCM (FA complementation group M; plus strand). Cytogenetic location: 14q21.2.
Variant type: single nucleotide variant.
Coding change: c.1499A>T on transcript NM_020937.4 (MANE Select); coding-DNA position 1499, A replaced by T.
Protein change: p.Gln500Leu; replaces glutamine 500 with leucine.
Molecular consequence: missense variant.
Genome position (GRCh38, 1-based): chr14:45,159,198, A>T. VCF-style: chr14-45159198-A-T. GRCh37 (hg19) VCF-style: chr14-45628401-A-T.
Other names: c.1421A>T, p.Gln474Leu (NM_001308133.2); c.1499A>T, p.Gln500Leu (NM_001308134.2); short protein forms Q474L, Q500L.
Identifiers: ClinVar variation 4022888 (VCV004022888.1).
Genomic context (GRCh38, chr14:45,159,198, plus strand): 5'-TGATCTTCTCTTCATTTCGAGATAGTGTTCAAGAAATTGCAGAAATGCTTTCACAGCATC[A>T]GCCAATTATTAGAGTAATGACTTTTGTCGGCCATGCCTCAGGGAAAAGCACGAAGGGTTT-3'
Protein context (NP_065988.1, residues 490-510): QEIAEMLSQH[Gln500Leu]PIIRVMTFVG